The following is an entry in ClinVar:

NM_032447.5(FBN3):c.3449G>A (p.Arg1150His)

Gene: FBN3 (fibrillin 3; minus strand). Cytogenetic location: 19p13.2.
Variant type: single nucleotide variant.
Coding change: c.3449G>A on transcript NM_032447.5 (MANE Select); coding-DNA position 3449, G replaced by A.
Protein change: p.Arg1150His; replaces arginine 1150 with histidine.
Molecular consequence: missense variant.
Genome position (GRCh38, 1-based): chr19:8,117,478, C>T on the plus strand (G>A on the coding strand, the complement: FBN3 is on the minus strand). VCF-style: chr19-8117478-C-T. GRCh37 (hg19) VCF-style: chr19-8182362-C-T.
Other names: c.3449G>A, p.Arg1150His (NM_001321431.2); c.3449G>A (NM_032447.3); short protein forms R1150H.
Identifiers: ClinVar variation 808435 (VCV000808435.45), dbSNP rs201138085, ClinGen allele CA9152455.

ClinVar aggregate classification (germline): Conflicting classifications of pathogenicity. Review status: criteria provided, conflicting classifications (1 of 4 stars). 3 submissions from 3 submitters: Uncertain significance (2); Likely benign (1). Last evaluated 2024-10-08.

Allele frequency attached by ClinVar (database versions not stated): TOPMed 0.00002; ExAC 0.00004; gnomAD 0.00004; gnomAD exomes 0.00006; ESP Exome Variant Server 0.00015.
gnomAD v4.1: 46 of 1,560,660 alleles (0.0029%); highest among the groups gnomAD compares: Middle Eastern, 0.017%; no homozygotes.

Submissions (3):

Labcorp Genetics (formerly Invitae), Labcorp
Classification: Uncertain significance. Last evaluated: 2024-10-08. Review status: criteria provided, single submitter. Criteria: Invitae Variant Classification Sherloc (09022015). Collection method: clinical testing. Allele origin: germline.
Comment: This sequence change replaces arginine, which is basic and polar, with histidine, which is basic and polar, at codon 1150 of the FBN3 protein (p.Arg1150His). The frequency data for this variant in the population databases is considered unreliable, as metrics indicate poor data quality at this position in the gnomAD database. This variant has not been reported in the literature in individuals affected with FBN3-related conditions. ClinVar contains an entry for this variant (Variation ID: 808435). Invitae Evidence Modeling of protein sequence and biophysical properties (such as structural, functional, and spatial information, amino acid conservation, physicochemical variation, residue mobility, and thermodynamic stability) indicates that this missense variant is not expected to disrupt FBN3 protein function with a negative predictive value of 80%. In summary, the available evidence is currently insufficient to determine the role of this variant in disease. Therefore, it has been classified as a Variant of Uncertain Significance.

Ambry Genetics
Classification: Likely benign. Last evaluated: 2024-01-19. Review status: criteria provided, single submitter. Criteria: Ambry Variant Classification Scheme 2023. Collection method: clinical testing. Allele origin: germline.

CeGaT Center for Human Genetics Tuebingen
Classification: Uncertain significance. Last evaluated: 2018-03-01. Review status: criteria provided, single submitter. Criteria: CeGaT Center For Human Genetics Tuebingen Variant Classification Criteria Version 2. Collection method: clinical testing. Allele origin: germline. Affected: yes. Observed: 1 variant allele.